The following is an entry in ClinVar:

NM_001378454.1(ALMS1):c.1345A>G (p.Arg449Gly)

Gene: ALMS1 (ALMS1 centrosome and basal body associated protein; plus strand). Cytogenetic location: 2p13.1.
Variant type: single nucleotide variant.
Coding change: c.1345A>G on transcript NM_001378454.1 (MANE Select); coding-DNA position 1345, A replaced by G.
Protein change: p.Arg449Gly; replaces arginine 449 with glycine.
Molecular consequence: missense variant.
Genome position (GRCh38, 1-based): chr2:73,432,204, A>G. VCF-style: chr2-73432204-A-G. GRCh37 (hg19) VCF-style: chr2-73659332-A-G.
Other names: c.1348A>G, p.Arg450Gly (NM_015120.4); short protein forms R449G, R450G.
Identifiers: ClinVar variation 1433836 (VCV001433836.7), dbSNP rs777458464, ClinGen allele CA1713131.

ClinVar aggregate classification (germline): Conflicting classifications of pathogenicity. Review status: criteria provided, conflicting classifications (1 of 4 stars). 3 submissions from 3 submitters: Uncertain significance (2); Likely benign (1). Last evaluated 2025-01-03.

Conditions:
Alstrom syndrome (ALMS). Identifiers: Orphanet 64, MedGen C0268425, MONDO:0008763, OMIM 203800.
Cardiovascular phenotype. Identifiers: MedGen CN230736.

Allele frequency attached by ClinVar (database versions not stated): gnomAD exomes below 0.00001; TOPMed below 0.00001; ExAC 0.00001; gnomAD 0.00001.
gnomAD v4.1: 6 of 1,612,264 alleles (0.00037%); highest among the groups gnomAD compares: African/African-American, 0.0013%; no homozygotes.

Submissions (3):

Ambry Genetics
Classification: Likely benign for Cardiovascular phenotype. Last evaluated: 2025-01-03. Review status: criteria provided, single submitter. Criteria: Ambry Variant Classification Scheme 2023. Collection method: clinical testing. Allele origin: germline.

Fulgent Genetics
Classification: Uncertain significance for Alstrom syndrome. Last evaluated: 2021-11-04. Review status: criteria provided, single submitter. Criteria: ACMG Guidelines, 2015. Collection method: clinical testing. Allele origin: unknown.

Labcorp Genetics (formerly Invitae), Labcorp
Classification: Uncertain significance for Alstrom syndrome. Last evaluated: 2021-08-04. Review status: criteria provided, single submitter. Criteria: Invitae Variant Classification Sherloc (09022015). Collection method: clinical testing. Allele origin: germline.
Comment: This variant is present in population databases (rs777458464, ExAC 0.001%). This sequence change replaces arginine with glycine at codon 450 of the ALMS1 protein (p.Arg450Gly). The arginine residue is weakly conserved and there is a moderate physicochemical difference between arginine and glycine. This variant has not been reported in the literature in individuals affected with ALMS1-related conditions. Experimental studies and prediction algorithms are not available or were not evaluated, and the functional significance of this variant is currently unknown. In summary, the available evidence is currently insufficient to determine the role of this variant in disease. Therefore, it has been classified as a Variant of Uncertain Significance.